The following is an entry in ClinVar:

ClinVar aggregate classification (germline): Benign (1 of 4 stars; one submission).

Allele frequency attached by ClinVar (database versions not stated): gnomAD exomes 0.00002; gnomAD 0.00022; TOPMed 0.00027; 1000 Genomes Project 0.00040; 1000 Genomes Project 30x 0.00047.
gnomAD v4.1: 56 of 1,288,006 alleles (0.0043%); highest among the groups gnomAD compares: African/African-American, 0.064%; no homozygotes.

Submission:

GeneDx
Classification: Benign. Last evaluated: 2014-07-18. Review status: criteria provided, single submitter. Criteria: GeneDx Variant Classification (06012015). Collection method: clinical testing. Allele origin: germline. Affected: yes.
Comment: This variant is considered likely benign or benign based on one or more of the following criteria: it is a conservative change, it occurs at a poorly conserved position in the protein, it is predicted to be benign by multiple in silico algorithms, and/or has population frequency not consistent with disease.

NM_000156.6(GAMT):c.-31A>G

Genes: GAMT (guanidinoacetate N-methyltransferase; minus strand), LOC130062945 (ATAC-STARR-seq lymphoblastoid silent region 9707; plus strand). Cytogenetic location: 19p13.3.
Variant type: single nucleotide variant.
Coding change: c.-31A>G on transcript NM_000156.6 (MANE Select); 31 bases upstream of the start codon, A replaced by G.
Molecular consequence: 5 prime UTR variant.
Genome position (GRCh38, 1-based): chr19:1,401,507, T>C on the plus strand (A>G on the coding strand, the complement: GAMT is on the minus strand). VCF-style: chr19-1401507-T-C. GRCh37 (hg19) VCF-style: chr19-1401506-T-C.
Other names: c.-31A>G (NM_138924.3).
Identifiers: ClinVar variation 205571 (VCV000205571.1), dbSNP rs578080158, ClinGen allele CA314789.